The following is an entry in ClinVar:

NM_003995.4(NPR2):c.1582A>T (p.Met528Leu)

Gene: NPR2 (natriuretic peptide receptor 2; plus strand). Cytogenetic location: 9p13.3.
Variant type: single nucleotide variant.
Coding change: c.1582A>T on transcript NM_003995.4 (MANE Select); coding-DNA position 1582, A replaced by T.
Protein change: p.Met528Leu; replaces methionine 528 with leucine.
Molecular consequence: missense variant.
Genome position (GRCh38, 1-based): chr9:35,801,950, A>T. VCF-style: chr9-35801950-A-T. GRCh37 (hg19) VCF-style: chr9-35801947-A-T.
Other names: c.1591A>T, p.Met531Leu (NM_001378923.1); short protein forms M528L, M531L.
Identifiers: ClinVar variation 3629986 (VCV003629986.1).
Genomic context (GRCh38, chr9:35,801,950, plus strand): 5'-TTCATCCTTCCGCCTCCATGTTGCCCTTGGCCCCAGCGGGGATCCAGTTACGGCTCGCTC[A>T]TGACAGCCCATGGGAAATACCAGATCTTTGCCAACACCGGTCACTTCAAGGTGAACAGTC-3'
Protein context (NP_003986.2, residues 518-538): SLRGSSYGSL[Met528Leu]TAHGKYQIFA

ClinVar aggregate classification (germline): Uncertain significance (1 of 4 stars; one submission).

Submission:

Women's Health and Genetics/Laboratory Corporation of America, LabCorp
Classification: Uncertain significance. Last evaluated: 2024-11-19. Review status: criteria provided, single submitter. Criteria: LabCorp Variant Classification Summary - May 2015. Collection method: clinical testing. Allele origin: germline.
Comment: Variant summary: NPR2 c.1582A>T (p.Met528Leu) results in a conservative amino acid change located in the Protein kinase domain (IPR000719) of the encoded protein sequence. Four of five in-silico tools predict a benign effect of the variant on protein function. The frequency data for this variant in gnomAD is considered unreliable, as metrics indicate poor data quality at this position. To our knowledge, no occurrence of c.1582A>T in individuals affected with NPR2-Related Disorders and no experimental evidence demonstrating its impact on protein function have been reported. No submitters have cited clinical-significance assessments for this variant to ClinVar. Based on the evidence outlined above, the variant was classified as uncertain significance.